The following is an entry in ClinVar:

ClinVar aggregate classification (germline): Uncertain significance (1 of 4 stars; one submission).

Conditions:
Hereditary cancer-predisposing syndrome. Also called: Neoplastic Syndromes, Hereditary; Tumor predisposition; Hereditary Cancer Syndrome; Hereditary neoplastic syndrome. Identifiers: Orphanet 140162, MedGen C0027672, MeSH D009386, MONDO:0015356.

Submission:

Ambry Genetics
Classification: Uncertain significance for Hereditary cancer-predisposing syndrome. Last evaluated: 2026-03-17. Review status: criteria provided, single submitter. Criteria: Ambry Variant Classification Scheme 2023. Collection method: clinical testing. Allele origin: germline.
Comment: The p.M1069I variant (also known as c.3207G>A), located in coding exon 20 of the ALK gene, results from a G to A substitution at nucleotide position 3207. The methionine at codon 1069 is replaced by isoleucine, an amino acid with highly similar properties. This amino acid position is conserved. In addition, this alteration is predicted to be tolerated by in silico analysis. Based on the available evidence, the clinical significance of this variant remains unclear.

NM_004304.5(ALK):c.3207G>A (p.Met1069Ile)

Gene: ALK (ALK receptor tyrosine kinase; minus strand). Cytogenetic location: 2p23.2.
Variant type: single nucleotide variant.
Coding change: c.3207G>A on transcript NM_004304.5 (MANE Select); coding-DNA position 3207, G replaced by A.
Protein change: p.Met1069Ile; replaces methionine 1069 with isoleucine.
Molecular consequence: missense variant. On other transcripts: initiator codon variant (1).
Genome position (GRCh38, 1-based): chr2:29,223,494, C>T on the plus strand (G>A on the coding strand, the complement: ALK is on the minus strand). VCF-style: chr2-29223494-C-T. GRCh37 (hg19) VCF-style: chr2-29446360-C-T.
Other names: c.3G>A, p.Met1Ile (NM_001353765.2); short protein forms M1069I, M1I.
Identifiers: ClinVar variation 4869859 (VCV004869859.1).